The following is an entry in ClinVar:

NM_178822.5(IGSF10):c.1347G>A (p.Gln449=)

Gene: IGSF10 (immunoglobulin superfamily member 10; minus strand). Cytogenetic location: 3q25.1.
Variant type: single nucleotide variant.
Coding change: c.1347G>A on transcript NM_178822.5 (MANE Select); coding-DNA position 1347, G replaced by A.
Protein change: p.Gln449=; no amino-acid change (glutamine 449 retained).
Molecular consequence: synonymous variant.
Genome position (GRCh38, 1-based): chr3:151,448,634, C>T on the plus strand (G>A on the coding strand, the complement: IGSF10 is on the minus strand). VCF-style: chr3-151448634-C-T. GRCh37 (hg19) VCF-style: chr3-151166422-C-T.
Other names: c.1347G>A, p.Gln449= (NM_001385060.1, NM_001385061.1, NM_001385062.1 and 1 more transcripts); c.1347G>A (NM_178822.4).
Identifiers: ClinVar variation 1604276 (VCV001604276.11), dbSNP rs6798252, ClinGen allele CA2670567.
Genomic context (GRCh38, chr3:151,448,634, plus strand): 5'-TTTCACTGGCCTCATCTCTGCTCTTGGTAAAGTGATTTGAGCATCACTGGAGTACTGGAT[C>T]TGTAATGTACTGAATGTGGTGGCAGTTCTGTTCAGCTGCAAGGAAATTTGGTCTTGCATT-3'
Protein context (NP_849144.2, residues 439-459): NRTATTFSTL[Gln449=]IQYSSDAQIT

ClinVar aggregate classification (germline): Benign. Review status: criteria provided, multiple submitters, no conflicts (2 of 4 stars). 3 submissions from 3 submitters: Benign (2). 1 of the submissions does not count toward it. Last evaluated 2026-02-04.

Conditions:
IGSF10-related disorder. Also called: IGSF10-related condition.

Allele frequency attached by ClinVar (database versions not stated): gnomAD exomes 0.70641 and 0.70756; gnomAD 0.70904 and 0.70918; ExAC 0.70920; 1000 Genomes Project 0.71066; TOPMed 0.71175; 1000 Genomes Project 30x 0.70831; ESP Exome Variant Server 0.71582.
gnomAD v4.1: 1,140,805 of 1,613,804 alleles (71%); highest among the groups gnomAD compares: Middle Eastern, 83%; 404,450 homozygotes.

Submissions (3):

Labcorp Genetics (formerly Invitae), Labcorp
Classification: Benign. Last evaluated: 2026-02-04. Review status: criteria provided, single submitter. Criteria: Invitae Variant Classification Sherloc (09022015). Collection method: clinical testing. Allele origin: germline.

Breakthrough Genomics
Classification: Benign. Review status: criteria provided, single submitter. Criteria: ACMG Guidelines, 2015. Collection method: not provided. Allele origin: germline. Inheritance: Unknown mechanism. Affected: yes.

PreventionGenetics, part of Exact Sciences
Classification: Benign for IGSF10-related condition. Last evaluated: 2019-10-17. Review status: no assertion criteria provided. Collection method: clinical testing. Allele origin: germline. Not counted in ClinVar's aggregate classification.
Comment: This variant is classified as benign based on ACMG/AMP sequence variant interpretation guidelines (Richards et al. 2015 PMID: 25741868, with internal and published modifications).